The following is an entry in ClinVar:

ClinVar aggregate classification (germline): Uncertain significance (1 of 4 stars; one submission).

Conditions:
Inborn genetic diseases. Identifiers: MedGen C0950123, MeSH D030342.

Submission:

Ambry Genetics
Classification: Uncertain significance for Inborn genetic diseases. Last evaluated: 2021-12-08. Review status: criteria provided, single submitter. Criteria: Ambry Variant Classification Scheme 2023. Collection method: clinical testing. Allele origin: germline.
Comment: It is unknown whether the duplicated material impacts protein sequence or otherwise affects transcriptional/translational regulatory elements. Based on insufficient or conflicting evidence, the clinical significance of this alteration remains unclear.

NM_001370100.5(ZMYND11):c.1677_1686+38dup

Genes: ZMYND11 (zinc finger MYND-type containing 11; plus strand), LOC126860802 (BRD4-independent group 4 enhancer GRCh37_chr10:294268-295467; plus strand). Cytogenetic location: 10p15.3.
Variant type: Duplication.
Coding change: c.1677_1686+38dup on transcript NM_001370100.5 (MANE Select); coding-DNA position 1677 through 38 bases into the intron after coding-DNA position 1686, 48 bases duplicated.
Molecular consequence: splice donor variant. On other transcripts: no sequence alteration (3).
Genome position (GRCh38, 1-based): chr10:249,079-249,126, 48 bases duplicated; duplicating any 48 consecutive bases within chr10:249,077-249,126 gives the same sequence; the c. name uses the placement nearest the transcript's 3' end. GRCh37 (hg19): chr10:295,019-295,066.
Other names: c.1515_*17dup, p.Lys505_Ter(515_?)(?) (NM_001202467.1); c.1677_*17dup, p.Lys559_Ter(569_?)(?) (NM_001202468.1); c.1674_*17dup, p.Lys558_Ter(568_?)(?) (NM_212479.4); c.1515_1524+38dup (NM_001370103.2, NM_001370104.2, NM_001370105.2 and 5 more transcripts); c.1677_1686+38dup (NM_006624.7, NM_001370098.2, NM_001370097.3 and 3 more transcripts); c.1530_1539+38dup (NM_001370119.2); c.1557_1566+38dup (NM_001370118.2); c.1584_1593+38dup (NM_001370113.2, NM_001370114.2); and 11 more.
Identifiers: ClinVar variation 2257739 (VCV002257739.2), dbSNP rs2540059079, ClinGen allele CA2580081294.